The following is an entry in ClinVar:

NM_012188.5(FOXI1):c.*143A>T

Gene: FOXI1 (forkhead box I1; plus strand). Cytogenetic location: 5q35.1.
Variant type: single nucleotide variant.
Coding change: c.*143A>T on transcript NM_012188.5 (MANE Select); 143 bases downstream of the stop codon, A replaced by T.
Molecular consequence: 3 prime UTR variant.
Genome position (GRCh38, 1-based): chr5:170,108,754, A>T. VCF-style: chr5-170108754-A-T. GRCh37 (hg19) VCF-style: chr5-169535758-A-T.
Other names: c.*143A>T (NM_144769.4).
Identifiers: ClinVar variation 904689 (VCV000904689.6), dbSNP rs55762796, ClinGen allele CA12016285.

ClinVar aggregate classification (germline): Benign/Likely benign. Review status: criteria provided, multiple submitters, no conflicts (2 of 4 stars). 3 submissions from 3 submitters: Benign (1); Likely benign (2). Last evaluated 2018-12-17.

Conditions:
Autosomal recessive nonsyndromic hearing loss 4 (DFNB4). Also called: NEUROSENSORY NONSYNDROMIC RECESSIVE DEAFNESS 4; Nonsyndromic enlarged vestibular aqueduct (NSEVA); Deafness, autosomal recessive 4, with enlarged vestibular aqueduct; FOXI1-Related Pendred Syndrome; KCNJ10-Related Pendred Syndrome; Deafness, autosomal recessive 4. Identifiers: Orphanet 90636, MedGen C3538946, MONDO:0010933, OMIM 600791.

Allele frequency attached by ClinVar (database versions not stated): 1000 Genomes Project 30x 0.06230; 1000 Genomes Project 0.06350; TOPMed 0.06775.

Submissions (3):

GeneDx
Classification: Benign. Last evaluated: 2018-12-17. Review status: criteria provided, single submitter. Criteria: GeneDx Variant Classification Process June 2021. Collection method: clinical testing. Allele origin: germline. Affected: yes.

Illumina Laboratory Services, Illumina
Classification: Likely benign for Autosomal recessive nonsyndromic hearing loss 4. Last evaluated: 2018-01-12. Review status: criteria provided, single submitter. Criteria: ICSL Variant Classification Criteria 13 December 2019. Collection method: clinical testing. Allele origin: germline.
Comment: This variant was observed in the ICSL laboratory as part of a predisposition screen in an ostensibly healthy population. It had not been previously curated by ICSL or reported in the Human Gene Mutation Database (HGMD: prior to June 1st, 2018), and was therefore a candidate for classification through an automated scoring system. Utilizing variant allele frequency, disease prevalence and penetrance estimates, and inheritance mode, an automated score was calculated to assess if this variant is too frequent to cause the disease. Based on the score and internal cut-off values, a variant classified as likely benign is not then subjected to further curation. The score for this variant resulted in a classification of likely benign for this disease.

Breakthrough Genomics
Classification: Likely benign. Review status: criteria provided, single submitter. Criteria: ACMG Guidelines, 2015. Collection method: not provided. Allele origin: germline. Inheritance: Autosomal recessive inheritance. Affected: yes.